The following is an entry in ClinVar:

NM_001040142.2(SCN2A):c.4453G>A (p.Gly1485Ser)

Gene: SCN2A (sodium voltage-gated channel alpha subunit 2; plus strand). Cytogenetic location: 2q24.3.
Variant type: single nucleotide variant.
Coding change: c.4453G>A on transcript NM_001040142.2 (MANE Select); coding-DNA position 4453, G replaced by A.
Protein change: p.Gly1485Ser; replaces glycine 1485 with serine.
Molecular consequence: missense variant.
Genome position (GRCh38, 1-based): chr2:165,381,099, G>A. VCF-style: chr2-165381099-G-A. GRCh37 (hg19) VCF-style: chr2-166237609-G-A.
Other names: c.4453G>A, p.Gly1485Ser (NM_001040143.2, NM_001371246.1, NM_001371247.1 and 1 more transcripts); short protein forms G1485S.
Identifiers: ClinVar variation 943310 (VCV000943310.10), dbSNP rs1701578958, ClinGen allele CA349034518.
Genomic context (GRCh38, chr2:165,381,099, plus strand): 5'-TTTTATAGCCAGCAAAGAACACAATTTTAACAAGTGTTGCTTTCATTTCTTTACTTTGGA[G>A]GTCAAGACATTTTTATGACAGAAGAACAGAAGAAATACTACAATGCAATGAAAAAACTGG-3'
Protein context (NP_001035232.1, residues 1475-1495): NFNQQKKKFG[Gly1485Ser]QDIFMTEEQK

ClinVar aggregate classification (germline): Uncertain significance (1 of 4 stars; one submission).

Conditions:
Seizures, benign familial infantile, 3 (BFIS3). Also called: CONVULSIONS, BENIGN FAMILIAL INFANTILE, 3; Familial neonatal seizures. Identifiers: Orphanet 140927, Orphanet 306, MedGen C1843140, MONDO:0011904, OMIM 607745.
Developmental and epileptic encephalopathy, 11 (DEE11). Also called: Early infantile epileptic encephalopathy 11. Identifiers: Orphanet 1934, MedGen C3150987, MONDO:0013388, OMIM 613721.

Allele frequency attached by ClinVar (database versions not stated): gnomAD exomes below 0.00001.
gnomAD v4.1: 1 of 1,579,794 alleles (0.000063%); highest among the groups gnomAD compares: Non-Finnish European, 0.000086%; no homozygotes.

Submission:

Labcorp Genetics (formerly Invitae), Labcorp
Classification: Uncertain significance for Seizures, benign familial infantile, 3; Developmental and epileptic encephalopathy, 11. Last evaluated: 2024-03-05. Review status: criteria provided, single submitter. Criteria: Invitae Variant Classification Sherloc (09022015). Collection method: clinical testing. Allele origin: germline.
Comment: This sequence change replaces glycine, which is neutral and non-polar, with serine, which is neutral and polar, at codon 1485 of the SCN2A protein (p.Gly1485Ser). This variant is not present in population databases (gnomAD no frequency). This variant has not been reported in the literature in individuals affected with SCN2A-related conditions. ClinVar contains an entry for this variant (Variation ID: 943310). Advanced modeling of protein sequence and biophysical properties (such as structural, functional, and spatial information, amino acid conservation, physicochemical variation, residue mobility, and thermodynamic stability) performed at Invitae indicates that this missense variant is expected to disrupt SCN2A protein function with a positive predictive value of 95%. Algorithms developed to predict the effect of sequence changes on RNA splicing suggest that this variant may disrupt the consensus splice site. In summary, the available evidence is currently insufficient to determine the role of this variant in disease. Therefore, it has been classified as a Variant of Uncertain Significance.